The following is an entry in ClinVar:

NM_000051.4(ATM):c.8671+4A>G

Genes: ATM (ATM serine/threonine kinase; plus strand), C11orf65 (chromosome 11 open reading frame 65; minus strand). Cytogenetic location: 11q22.3.
Variant type: single nucleotide variant.
Coding change: c.8671+4A>G on transcript NM_000051.4 (MANE Select); 4 bases into the intron after coding-DNA position 8671, A replaced by G.
Molecular consequence: intron variant.
Genome position (GRCh38, 1-based): chr11:108,347,369, A>G. VCF-style: chr11-108347369-A-G. GRCh37 (hg19) VCF-style: chr11-108218096-A-G.
Other names: c.8671+4A>G (NM_001351834.2); c.641-38298T>C (NM_001330368.2); c.695-12077T>C (NM_001351110.2).
Identifiers: ClinVar variation 233808 (VCV000233808.8), dbSNP rs876660652, ClinGen allele CA10579313.
Genomic context (GRCh38, chr11:108,347,369, plus strand): 5'-ATGTACAGAATATCTTGATAAATGAGCAGTCAGCAGAACTTGTACATATAGATCTAGGTA[A>G]GTAATAAAATCTATGTATCTATTCTTTTTAGTAAATATTTGGTCATCATGGAATGTTGTT-3'

ClinVar aggregate classification (germline): Uncertain significance (1 of 4 stars; one submission).

Conditions:
Hereditary cancer-predisposing syndrome. Also called: Neoplastic Syndromes, Hereditary; Hereditary neoplastic syndrome; Tumor predisposition; Hereditary Cancer Syndrome. Identifiers: Orphanet 140162, MedGen C0027672, MeSH D009386, MONDO:0015356.

Submission:

Ambry Genetics
Classification: Uncertain significance for Hereditary cancer-predisposing syndrome. Last evaluated: 2025-07-17. Review status: criteria provided, single submitter. Criteria: Ambry Variant Classification Scheme 2023. Collection method: clinical testing. Allele origin: germline.
Comment: The c.8671+4A>G intronic variant results from an A to G substitution 4 nucleotides after coding exon 58 in the ATM gene. This nucleotide position is well conserved in available vertebrate species. In silico splice site analysis predicts that this alteration will not have any significant effect on splicing. Based on the available evidence, the clinical significance of this variant remains unclear.